The following is an entry in ClinVar:

NM_020911.2(PLXNA4):c.2T>C (p.Met1Thr)

Gene: PLXNA4 (plexin A4; minus strand). Cytogenetic location: 7q32.3.
Variant type: single nucleotide variant.
Coding change: c.2T>C on transcript NM_020911.2 (MANE Select); coding-DNA position 2, T replaced by C.
Protein change: p.Met1Thr; changes the start codon (methionine 1).
Molecular consequence: missense variant, initiator codon variant.
Genome position (GRCh38, 1-based): chr7:132,508,692, A>G on the plus strand (T>C on the coding strand, the complement: PLXNA4 is on the minus strand). VCF-style: chr7-132508692-A-G. GRCh37 (hg19) VCF-style: chr7-132193451-A-G.
Other names: c.2T>C, p.Met1Thr (NM_001105543.2, NM_001393897.1, NM_181775.4); short protein forms M1T.
Identifiers: ClinVar variation 4982288 (VCV004982288.1).

ClinVar aggregate classification (germline): Uncertain significance (1 of 4 stars; one submission).

Conditions:
PLXNA4-related disorder. Also called: PLXNA4-related condition.

Submission:

PreventionGenetics, part of Exact Sciences
Classification: Uncertain significance for PLXNA4-related condition. Last evaluated: 2025-06-22. Review status: criteria provided, single submitter. Criteria: ACMG Guidelines, 2015. Collection method: clinical testing. Allele origin: germline.
Comment: The PLXNA4 c.2T>C variant is predicted to disrupt the translation initiation site (Start loss). To our knowledge, this variant has not been reported in the literature or in a large population database (gnomAD), indicating this variant is rare. Another methionine is located downstream of this position (p.Met4; NM_020911). At this time, the clinical significance of this variant is uncertain due to the absence of conclusive functional and genetic evidence.